The following is an entry in ClinVar:

NM_017777.4(MKS1):c.1301G>A (p.Trp434Ter)

Gene: MKS1 (MKS transition zone complex subunit 1; minus strand). Cytogenetic location: 17q22.
Variant type: single nucleotide variant.
Coding change: c.1301G>A on transcript NM_017777.4 (MANE Select); coding-DNA position 1301, G replaced by A.
Protein change: p.Trp434Ter; replaces tryptophan 434 with a stop codon.
Molecular consequence: nonsense. On other transcripts: intron variant (1).
Genome position (GRCh38, 1-based): chr17:58,207,191, C>T on the plus strand (G>A on the coding strand, the complement: MKS1 is on the minus strand). VCF-style: chr17-58207191-C-T. GRCh37 (hg19) VCF-style: chr17-56284552-C-T.
Other names: c.692G>A, p.Trp231Ter (NM_001321268.2); c.1301G>A, p.Trp434Ter (NM_001321269.2); c.1273+703G>A (NM_001330397.2); short protein forms W231*, W434*.
Identifiers: ClinVar variation 1459148 (VCV001459148.6), dbSNP rs2143744476, ClinGen allele CA400325016.
Genomic context (GRCh38, chr17:58,207,191, plus strand): 5'-AGAGAACCGCCAATGAAAAACCTCCTCAGCTCAGCCACCGTGCCAAGCTCCACAGGTCTC[C>T]ACGTGGAGACTGTCAGGGTGTGTGAGCCTGCGCAAGGGAAGAGAAGACTGGGGCCAGGTC-3'

ClinVar aggregate classification (germline): Pathogenic (1 of 4 stars; one submission).

Conditions:
Meckel-Gruber syndrome. Also called: DYSENCEPHALIA SPLANCHNOCYSTICA; GRUBER SYNDROME; Dysencephalia splachnocystica. Identifiers: Orphanet 564, MedGen C0265215, MONDO:0018921.
Joubert syndrome. Also called: CEREBELLOPARENCHYMAL DISORDER IV; JOUBERT-BOLTSHAUSER SYNDROME; Familial aplasia of the vermis. Identifiers: Orphanet 475, MedGen C5979921, MONDO:0018772.

Submission:

Labcorp Genetics (formerly Invitae), Labcorp
Classification: Pathogenic for Joubert syndrome; Meckel-Gruber syndrome. Last evaluated: 2022-04-26. Review status: criteria provided, single submitter. Criteria: Invitae Variant Classification Sherloc (09022015). Collection method: clinical testing. Allele origin: germline.
Comment: This sequence change creates a premature translational stop signal (p.Trp434*) in the MKS1 gene. It is expected to result in an absent or disrupted protein product. Loss-of-function variants in MKS1 are known to be pathogenic (PMID: 19466712, 24886560, 26490104). This variant is not present in population databases (gnomAD no frequency). This variant has not been reported in the literature in individuals affected with MKS1-related conditions. Algorithms developed to predict the effect of sequence changes on RNA splicing suggest that this variant may create or strengthen a splice site. For these reasons, this variant has been classified as Pathogenic.

Literature cited by the submitters: PubMed 19466712; PubMed 24886560; PubMed 26490104.